The following is an entry in ClinVar:

NM_173648.4(CCDC141):c.4426G>A (p.Ala1476Thr)

Gene: CCDC141 (coiled-coil domain containing 141; minus strand). Cytogenetic location: 2q31.2.
Variant type: single nucleotide variant.
Coding change: c.4426G>A on transcript NM_173648.4 (MANE Select); coding-DNA position 4426, G replaced by A.
Protein change: p.Ala1476Thr; replaces alanine 1476 with threonine.
Molecular consequence: missense variant.
Genome position (GRCh38, 1-based): chr2:178,834,340, C>T on the plus strand (G>A on the coding strand, the complement: CCDC141 is on the minus strand). VCF-style: chr2-178834340-C-T. GRCh37 (hg19) VCF-style: chr2-179699067-C-T.
Other names: short protein forms A1476T.
Identifiers: ClinVar variation 2166178 (VCV002166178.4), dbSNP rs760885419, ClinGen allele CA2006492.

ClinVar aggregate classification (germline): Uncertain significance (1 of 4 stars; one submission).

Allele frequency attached by ClinVar (database versions not stated): gnomAD 0.00005; TOPMed 0.00005; ExAC 0.00014.
gnomAD v4.1: 53 of 1,535,978 alleles (0.0035%); highest among the groups gnomAD compares: African/African-American, 0.0055%; no homozygotes.

Submission:

Labcorp Genetics (formerly Invitae), Labcorp
Classification: Uncertain significance. Last evaluated: 2025-02-24. Review status: criteria provided, single submitter. Criteria: Invitae Variant Classification Sherloc (09022015). Collection method: clinical testing. Allele origin: germline.
Comment: This sequence change replaces alanine, which is neutral and non-polar, with threonine, which is neutral and polar, at codon 1476 of the CCDC141 protein (p.Ala1476Thr). This variant is present in population databases (rs760885419, gnomAD 0.02%). This variant has not been reported in the literature in individuals affected with CCDC141-related conditions. ClinVar contains an entry for this variant (Variation ID: 2166178). An algorithm developed to predict the effect of missense changes on protein structure and function outputs the following: PolyPhen-2: "Probably Damaging". The threonine amino acid residue is found in multiple mammalian species, which suggests that this missense change does not adversely affect protein function. In summary, the available evidence is currently insufficient to determine the role of this variant in disease. Therefore, it has been classified as a Variant of Uncertain Significance.